The following is an entry in ClinVar:

NM_001378328.1(CELSR1):c.8225C>A (p.Thr2742Asn)

Gene: CELSR1 (cadherin EGF LAG seven-pass G-type receptor 1; minus strand). Cytogenetic location: 22q13.31.
Variant type: single nucleotide variant.
Coding change: c.8225C>A on transcript NM_001378328.1 (MANE Select); coding-DNA position 8225, C replaced by A.
Protein change: p.Thr2742Asn; replaces threonine 2742 with asparagine.
Molecular consequence: missense variant.
Genome position (GRCh38, 1-based): chr22:46,366,461, G>T on the plus strand (C>A on the coding strand, the complement: CELSR1 is on the minus strand). VCF-style: chr22-46366461-G-T. GRCh37 (hg19) VCF-style: chr22-46762358-G-T.
Other names: c.8225C>A, p.Thr2742Asn (NM_014246.4); short protein forms T2742N.
Identifiers: ClinVar variation 2579821 (VCV002579821.1), dbSNP rs2518257014, ClinGen allele CA411925752.

ClinVar aggregate classification (germline): Uncertain significance (1 of 4 stars; one submission).

Allele frequency attached by ClinVar (database versions not stated): gnomAD exomes below 0.00001.
gnomAD v4.1: 3 of 1,550,444 alleles (0.00019%); highest among the groups gnomAD compares: South Asian, 0.0024%; no homozygotes.

Submission:

GeneDx
Classification: Uncertain significance. Last evaluated: 2023-03-14. Review status: criteria provided, single submitter. Criteria: GeneDx Variant Classification Process June 2021. Collection method: clinical testing. Allele origin: germline. Affected: yes.
Comment: Not observed at significant frequency in large population cohorts (gnomAD); In silico analysis supports that this missense variant does not alter protein structure/function; Has not been previously published as pathogenic or benign to our knowledge